The following is an entry in ClinVar:

ClinVar aggregate classification (germline): Pathogenic (1 of 4 stars; one submission).

Conditions:
Familial cancer of breast. Also called: Hereditary breast cancer; BREAST CANCER, FAMILIAL; hereditary breast carcinoma. Identifiers: Orphanet 227535, MedGen C0346153, MONDO:0016419, OMIM 114480. Disease mechanism: loss of function.

Submission:

Myriad Genetics, Inc.
Classification: Pathogenic for Familial cancer of breast. Last evaluated: 2023-09-14. Review status: criteria provided, single submitter. Criteria: Myriad Autosomal Dominant, Autosomal Recessive and X-Linked Classification Criteria (2023). Collection method: clinical testing. Allele origin: unknown.
Comment: This variant is considered pathogenic. This variant creates a frameshift predicted to result in premature protein truncation.

NM_024675.4(PALB2):c.2888_2902delinsA (p.Ser963fs)

Gene: PALB2 (partner and localizer of BRCA2; minus strand). Cytogenetic location: 16p12.2.
Variant type: Indel.
Coding change: c.2888_2902delinsA on transcript NM_024675.4 (MANE Select); coding-DNA positions 2888 to 2902, CTGGAAATATAAAAG replaced by A.
Protein change: p.Ser963fs; shifts the reading frame from serine 963.
Molecular consequence: frameshift variant. On other transcripts: intron variant (1).
Genome position (GRCh38, 1-based): chr16:23,623,063-23,623,077, CTTTTATATTTCCAG replaced by T on the plus strand (CTGGAAATATAAAAG replaced by A on the coding strand, the reverse complement: PALB2 is on the minus strand). VCF-style: chr16-23623063-CTTTTATATTTCCAG-T. GRCh37 (hg19) VCF-style: chr16-23634384-CTTTTATATTTCCAG-T.
Other names: c.2828_2842delinsA, p.Ser943fs (NM_001407296.1); c.2816_2830delinsA, p.Ser939fs (NM_001407297.1); c.2726_2740delinsA, p.Ser909fs (NM_001407298.1, NM_001407302.1); c.2888_2902delinsA, p.Ser963fs (NM_001407299.1, NM_001407301.1); c.2003_2017delinsA, p.Ser668fs (NM_001407304.1, NM_001407305.1, NM_001407306.1 and 4 more transcripts); c.1841_1855delinsA, p.Ser614fs (NM_001407307.1); c.1100_1114delinsA, p.Ser367fs (NM_001407312.1, NM_001407313.1); c.422_436delinsA, p.Ser141fs (NM_001407314.1); and 1 more; short protein forms S141fs, S367fs, S614fs, S668fs, S909fs, S939fs, S943fs, S963fs.
Identifiers: ClinVar variation 2674122 (VCV002674122.1), dbSNP rs2506335630, ClinGen allele CA2695197600.